The following is an entry in ClinVar:

NM_001101.5(ACTB):c.1124T>A (p.Phe375Tyr)

Gene: ACTB (actin beta; minus strand). Cytogenetic location: 7p22.1.
Variant type: single nucleotide variant.
Coding change: c.1124T>A on transcript NM_001101.5 (MANE Select); coding-DNA position 1124, T replaced by A.
Protein change: p.Phe375Tyr; replaces phenylalanine 375 with tyrosine.
Molecular consequence: missense variant.
Genome position (GRCh38, 1-based): chr7:5,527,752, A>T on the plus strand (T>A on the coding strand, the complement: ACTB is on the minus strand). VCF-style: chr7-5527752-A-T. GRCh37 (hg19) VCF-style: chr7-5567383-A-T.
Other names: short protein forms F375Y.
Identifiers: ClinVar variation 4995605 (VCV004995605.1).

ClinVar aggregate classification (germline): Uncertain significance (1 of 4 stars; one submission).

Conditions:
ACTB-related disorder. Also called: ACTB-related condition; ACTB-related disorders.

Submission:

PreventionGenetics, part of Exact Sciences
Classification: Uncertain significance for ACTB-related condition. Last evaluated: 2025-10-09. Review status: criteria provided, single submitter. Criteria: ACMG Guidelines, 2015. Collection method: clinical testing. Allele origin: germline.
Comment: The ACTB c.1124T>A variant is predicted to result in the amino acid substitution p.Phe375Tyr. To our knowledge, this variant has not been reported in the literature or in a large population database (gnomAD), indicating this variant is rare. At this time, the clinical significance of this variant is uncertain due to the absence of conclusive functional and genetic evidence.